The following is an entry in ClinVar:

ClinVar aggregate classification (germline): Uncertain significance (1 of 4 stars; one submission).

gnomAD v4.1: 4 of 1,609,910 alleles (0.00025%); highest among the groups gnomAD compares: Non-Finnish European, 0.00034%; no homozygotes.

Submission:

Labcorp Genetics (formerly Invitae), Labcorp
Classification: Uncertain significance. Last evaluated: 2023-12-19. Review status: criteria provided, single submitter. Criteria: Invitae Variant Classification Sherloc (09022015). Collection method: clinical testing. Allele origin: germline.
Comment: This sequence change replaces aspartic acid, which is acidic and polar, with glutamic acid, which is acidic and polar, at codon 614 of the HYOU1 protein (p.Asp614Glu). This variant is not present in population databases (gnomAD no frequency). This variant has not been reported in the literature in individuals affected with HYOU1-related conditions. Algorithms developed to predict the effect of missense changes on protein structure and function output the following: SIFT: "Not Available"; PolyPhen-2: "Benign"; Align-GVGD: "Not Available". The glutamic acid amino acid residue is found in multiple mammalian species, which suggests that this missense change does not adversely affect protein function. In summary, the available evidence is currently insufficient to determine the role of this variant in disease. Therefore, it has been classified as a Variant of Uncertain Significance.

NM_006389.5(HYOU1):c.1842C>G (p.Asp614Glu)

Gene: HYOU1 (hypoxia up-regulated 1; minus strand). Cytogenetic location: 11q23.3.
Variant type: single nucleotide variant.
Coding change: c.1842C>G on transcript NM_006389.5 (MANE Select); coding-DNA position 1842, C replaced by G.
Protein change: p.Asp614Glu; replaces aspartic acid 614 with glutamic acid.
Molecular consequence: missense variant.
Genome position (GRCh38, 1-based): chr11:119,049,168, G>C on the plus strand (C>G on the coding strand, the complement: HYOU1 is on the minus strand). VCF-style: chr11-119049168-G-C. GRCh37 (hg19) VCF-style: chr11-118919880-G-C.
Other names: c.1842C>G, p.Asp614Glu (NM_001130991.3, NM_001411041.1); short protein forms D614E.
Identifiers: ClinVar variation 2704315 (VCV002704315.3), dbSNP rs143887472, ClinGen allele CA382931628.